The following is an entry in ClinVar:

NM_000929.3(PLA2G5):c.43G>A (p.Val15Met)

Gene: PLA2G5 (phospholipase A2 group V; plus strand). Cytogenetic location: 1p36.13.
Variant type: single nucleotide variant.
Coding change: c.43G>A on transcript NM_000929.3 (MANE Select); coding-DNA position 43, G replaced by A.
Protein change: p.Val15Met; replaces valine 15 with methionine.
Molecular consequence: missense variant.
Genome position (GRCh38, 1-based): chr1:20,086,085, G>A. VCF-style: chr1-20086085-G-A. GRCh37 (hg19) VCF-style: chr1-20412578-G-A.
Other names: short protein forms V15M.
Identifiers: ClinVar variation 1046596 (VCV001046596.6), dbSNP rs762881471, ClinGen allele CA658165.

ClinVar aggregate classification (germline): Uncertain significance (1 of 4 stars; one submission).

Allele frequency attached by ClinVar (database versions not stated): gnomAD exomes below 0.00001; ExAC 0.00001; gnomAD 0.00001; TOPMed 0.00002.
gnomAD v4.1: 1 of 1,613,988 alleles (0.000062%); highest among the groups gnomAD compares: African/African-American, 0.0013%; no homozygotes.

Submission:

Labcorp Genetics (formerly Invitae), Labcorp
Classification: Uncertain significance. Last evaluated: 2022-10-13. Review status: criteria provided, single submitter. Criteria: Invitae Variant Classification Sherloc (09022015). Collection method: clinical testing. Allele origin: germline.
Comment: In summary, the available evidence is currently insufficient to determine the role of this variant in disease. Therefore, it has been classified as a Variant of Uncertain Significance. Algorithms developed to predict the effect of missense changes on protein structure and function are either unavailable or do not agree on the potential impact of this missense change (SIFT: "Tolerated"; PolyPhen-2: "Probably Damaging"; Align-GVGD: "Class C0"). ClinVar contains an entry for this variant (Variation ID: 1046596). This variant has not been reported in the literature in individuals affected with PLA2G5-related conditions. This variant is present in population databases (rs762881471, gnomAD 0.003%). This sequence change replaces valine, which is neutral and non-polar, with methionine, which is neutral and non-polar, at codon 15 of the PLA2G5 protein (p.Val15Met).